The following is an entry in ClinVar:

ClinVar aggregate classification (germline): Uncertain significance (1 of 4 stars; one submission).

Allele frequency attached by ClinVar (database versions not stated): gnomAD exomes below 0.00001.
gnomAD v4.1: 2 of 1,613,690 alleles (0.00012%); highest among the groups gnomAD compares: Non-Finnish European, 0.00017%; no homozygotes.

Submission:

Labcorp Genetics (formerly Invitae), Labcorp
Classification: Uncertain significance. Last evaluated: 2022-02-16. Review status: criteria provided, single submitter. Criteria: Invitae Variant Classification Sherloc (09022015). Collection method: clinical testing. Allele origin: germline.
Comment: In summary, the available evidence is currently insufficient to determine the role of this variant in disease. Therefore, it has been classified as a Variant of Uncertain Significance. Algorithms developed to predict the effect of missense changes on protein structure and function are either unavailable or do not agree on the potential impact of this missense change (SIFT: "Deleterious"; PolyPhen-2: "Possibly Damaging"; Align-GVGD: "Class C0"). This variant has not been reported in the literature in individuals affected with LRIT3-related conditions. This variant is not present in population databases (gnomAD no frequency). This sequence change replaces aspartic acid, which is acidic and polar, with asparagine, which is neutral and polar, at codon 619 of the LRIT3 protein (p.Asp619Asn).

NM_198506.5(LRIT3):c.1855G>A (p.Asp619Asn)

Gene: LRIT3 (leucine rich repeat, Ig-like and transmembrane domains 3; plus strand). Cytogenetic location: 4q25.
Variant type: single nucleotide variant.
Coding change: c.1855G>A on transcript NM_198506.5 (MANE Select); coding-DNA position 1855, G replaced by A.
Protein change: p.Asp619Asn; replaces aspartic acid 619 with asparagine.
Molecular consequence: missense variant.
Genome position (GRCh38, 1-based): chr4:109,870,604, G>A. VCF-style: chr4-109870604-G-A. GRCh37 (hg19) VCF-style: chr4-110791760-G-A.
Other names: short protein forms D619N.
Identifiers: ClinVar variation 2089399 (VCV002089399.4), dbSNP rs1467611656, ClinGen allele CA357872990.
Genomic context (GRCh38, chr4:109,870,604, plus strand): 5'-ATTTGTTTCTTGTTGTACAAAGTTTGCAAACTGCAATGTAAATCAGAACCTTTTTGGGAA[G>A]ATGATTTGGCAAAGGAGACTTATATCCAATTTGAGACCCTGTTTCCCAGGTCTCAAAGTG-3'
Protein context (NP_940908.3, residues 609-629): LQCKSEPFWE[Asp619Asn]DLAKETYIQF